The following is an entry in ClinVar:

ClinVar aggregate classification (germline): Uncertain significance (1 of 4 stars; one submission).

Conditions:
CHD7-related CHARGE syndrome. Identifiers: MedGen CN380413, MONDO:1010178, OMIM 214800.

Submission:

3billion
Classification: Uncertain significance for CHD7-related CHARGE syndrome. Last evaluated: 2025-06-19. Review status: criteria provided, single submitter. Criteria: ACMG Guidelines, 2015. Collection method: clinical testing. Allele origin: germline. Affected: yes.
Comment: The variant is not observed in the gnomAD v4.1.0 dataset. Predicted Consequence/Location: Intron variant In silico tools predict the variant to alter splicing and produce an abnormal transcript [SpliceAI: 0.41 (>=0.2, moderate evidence for spliceogenicity)]. Therefore, this variant is classified as VUS according to the recommendation of ACMG/AMP guideline.

NM_017780.4(CHD7):c.3379-2171A>C

Gene: CHD7 (chromodomain helicase DNA binding protein 7; plus strand). Cytogenetic location: 8q12.2.
Variant type: single nucleotide variant.
Coding change: c.3379-2171A>C on transcript NM_017780.4 (MANE Select); 2171 bases into the intron before coding-DNA position 3379, A replaced by C.
Molecular consequence: intron variant.
Genome position (GRCh38, 1-based): chr8:60,826,492, A>C. VCF-style: chr8-60826492-A-C. GRCh37 (hg19) VCF-style: chr8-61739051-A-C.
Other names: c.1717-35737A>C (NM_001316690.1).
Identifiers: ClinVar variation 4855783 (VCV004855783.1).